The following is an entry in ClinVar:

NM_015378.4(VPS13D):c.7354A>C (p.Lys2452Gln)

Gene: VPS13D (vacuolar protein sorting 13 homolog D; plus strand). Cytogenetic location: 1p36.22.
Variant type: single nucleotide variant.
Coding change: c.7354A>C on transcript NM_015378.4 (MANE Select); coding-DNA position 7354, A replaced by C.
Protein change: p.Lys2452Gln; replaces lysine 2452 with glutamine.
Molecular consequence: missense variant.
Genome position (GRCh38, 1-based): chr1:12,318,277, A>C. VCF-style: chr1-12318277-A-C. GRCh37 (hg19) VCF-style: chr1-12378334-A-C.
Other names: c.7354A>C, p.Lys2452Gln (NM_018156.4); short protein forms K2452Q.
Identifiers: ClinVar variation 2994115 (VCV002994115.3), dbSNP rs2524215953, ClinGen allele CA338494027.

ClinVar aggregate classification (germline): Uncertain significance (1 of 4 stars; one submission).

Submission:

Labcorp Genetics (formerly Invitae), Labcorp
Classification: Uncertain significance. Last evaluated: 2025-01-06. Review status: criteria provided, single submitter. Criteria: Invitae Variant Classification Sherloc (09022015). Collection method: clinical testing. Allele origin: germline.
Comment: This sequence change replaces lysine, which is basic and polar, with glutamine, which is neutral and polar, at codon 2452 of the VPS13D protein (p.Lys2452Gln). This variant is not present in population databases (gnomAD no frequency). This variant has not been reported in the literature in individuals affected with VPS13D-related conditions. ClinVar contains an entry for this variant (Variation ID: 2994115). Invitae Evidence Modeling of protein sequence and biophysical properties (such as structural, functional, and spatial information, amino acid conservation, physicochemical variation, residue mobility, and thermodynamic stability) indicates that this missense variant is expected to disrupt VPS13D protein function with a positive predictive value of 80%. In summary, the available evidence is currently insufficient to determine the role of this variant in disease. Therefore, it has been classified as a Variant of Uncertain Significance.